The following is an entry in ClinVar:

NM_003500.4(ACOX2):c.594A>G (p.Ser198=)

Gene: ACOX2 (acyl-CoA oxidase 2; minus strand). Cytogenetic location: 3p14.3.
Variant type: single nucleotide variant.
Coding change: c.594A>G on transcript NM_003500.4 (MANE Select); coding-DNA position 594, A replaced by G.
Protein change: p.Ser198=; no amino-acid change (serine 198 retained).
Molecular consequence: synonymous variant.
Genome position (GRCh38, 1-based): chr3:58,531,802, T>C on the plus strand (A>G on the coding strand, the complement: ACOX2 is on the minus strand). VCF-style: chr3-58531802-T-C. GRCh37 (hg19) VCF-style: chr3-58517529-T-C.
Other names: c.594A>G (NM_003500.3).
Identifiers: ClinVar variation 3625186 (VCV003625186.3).

ClinVar aggregate classification (germline): Likely benign. Review status: criteria provided, multiple submitters, no conflicts (2 of 4 stars). 2 submissions from 2 submitters: Likely benign (2). Last evaluated 2026-06-29.

Conditions:
ACOX2-related disorder. Also called: ACOX2-related condition.

gnomAD v4.1: 11 of 1,613,562 alleles (0.00068%); highest among the groups gnomAD compares: African/African-American, 0.0013%; no homozygotes.

Submissions (2):

PreventionGenetics, part of Exact Sciences
Classification: Likely benign for ACOX2-related condition. Last evaluated: 2026-06-29. Review status: criteria provided, single submitter. Criteria: ACMG Guidelines, 2015. Collection method: clinical testing. Allele origin: germline.
Comment: This variant is classified as likely benign based on ACMG/AMP sequence variant interpretation guidelines (Richards et al. 2015 PMID: 25741868, with internal and published modifications).

Labcorp Genetics (formerly Invitae), Labcorp
Classification: Likely benign. Last evaluated: 2024-07-10. Review status: criteria provided, single submitter. Criteria: Invitae Variant Classification Sherloc (09022015). Collection method: clinical testing. Allele origin: germline.